The following is an entry in ClinVar:

ClinVar aggregate classification (germline): Uncertain significance (1 of 4 stars; one submission).

Submission:

GeneDx
Classification: Uncertain significance. Last evaluated: 2023-01-16. Review status: criteria provided, single submitter. Criteria: GeneDx Variant Classification Process June 2021. Collection method: clinical testing. Allele origin: germline. Affected: yes.
Comment: Not observed at significant frequency in large population cohorts (gnomAD); In silico analysis supports that this missense variant has a deleterious effect on protein structure/function; Has not been previously published as pathogenic or benign to our knowledge

NM_001130144.3(LTBP3):c.239G>A (p.Cys80Tyr)

Gene: LTBP3 (latent transforming growth factor beta binding protein 3; minus strand). Cytogenetic location: 11q13.1.
Variant type: single nucleotide variant.
Coding change: c.239G>A on transcript NM_001130144.3 (MANE Select); coding-DNA position 239, G replaced by A.
Protein change: p.Cys80Tyr; replaces cysteine 80 with tyrosine.
Molecular consequence: missense variant. On other transcripts: 5 prime UTR variant (1).
Genome position (GRCh38, 1-based): chr11:65,557,721, C>T on the plus strand (G>A on the coding strand, the complement: LTBP3 is on the minus strand). VCF-style: chr11-65557721-C-T. GRCh37 (hg19) VCF-style: chr11-65325192-C-T.
Other names: c.-109G>A (NM_001164266.1); c.239G>A, p.Cys80Tyr (NM_021070.4); short protein forms C80Y.
Identifiers: ClinVar variation 2572943 (VCV002572943.1), dbSNP rs2496186563, ClinGen allele CA381278041.